The following is an entry in ClinVar:

ClinVar aggregate classification (germline): Uncertain significance (1 of 4 stars; one submission).

Submission:

GeneDx
Classification: Uncertain significance. Last evaluated: 2026-02-13. Review status: criteria provided, single submitter. Criteria: GeneDx Variant Classification Process June 2021. Collection method: clinical testing. Allele origin: germline.
Comment: Not observed at significant frequency in large population cohorts (gnomAD); In silico analysis suggests that this missense variant does not alter protein structure/function; Has not been previously published as pathogenic or benign to our knowledge

NM_016239.4(MYO15A):c.826G>A (p.Asp276Asn)

Gene: MYO15A (myosin XVA; plus strand). Cytogenetic location: 17p11.2.
Variant type: single nucleotide variant.
Coding change: c.826G>A on transcript NM_016239.4 (MANE Select); coding-DNA position 826, G replaced by A.
Protein change: p.Asp276Asn; replaces aspartic acid 276 with asparagine.
Molecular consequence: missense variant.
Genome position (GRCh38, 1-based): chr17:18,119,626, G>A. VCF-style: chr17-18119626-G-A. GRCh37 (hg19) VCF-style: chr17-18022940-G-A.
Other names: short protein forms D276N.
Identifiers: ClinVar variation 4976561 (VCV004976561.1).